The following is an entry in ClinVar:

NM_000553.6(WRN):c.600G>A (p.Trp200Ter)

Gene: WRN (WRN RecQ like helicase; plus strand). Cytogenetic location: 8p12.
Variant type: single nucleotide variant.
Coding change: c.600G>A on transcript NM_000553.6 (MANE Select); coding-DNA position 600, G replaced by A.
Protein change: p.Trp200Ter; replaces tryptophan 200 with a stop codon.
Molecular consequence: nonsense.
Genome position (GRCh38, 1-based): chr8:31,067,128, G>A. VCF-style: chr8-31067128-G-A. GRCh37 (hg19) VCF-style: chr8-30924644-G-A.
Other names: short protein forms W200*.
Identifiers: ClinVar variation 1460212 (VCV001460212.6), dbSNP rs2130050166, ClinGen allele CA370916232.

ClinVar aggregate classification (germline): Pathogenic (1 of 4 stars; one submission).

Conditions:
Werner syndrome (WRN). Identifiers: Orphanet 902, MedGen C0043119, MONDO:0010196, OMIM 277700.

Submission:

Labcorp Genetics (formerly Invitae), Labcorp
Classification: Pathogenic for Werner syndrome. Last evaluated: 2026-01-28. Review status: criteria provided, single submitter. Criteria: Invitae Variant Classification Sherloc (09022015). Collection method: clinical testing. Allele origin: germline.
Comment: This sequence change creates a premature translational stop signal (p.Trp200*) in the WRN gene. It is expected to result in an absent or disrupted protein product. Loss-of-function variants in WRN are known to be pathogenic (PMID: 16673358). This variant is not present in population databases (gnomAD no frequency). This variant has not been reported in the literature in individuals affected with WRN-related conditions. ClinVar contains an entry for this variant (Variation ID: 1460212). For these reasons, this variant has been classified as Pathogenic.

Literature cited by the submitters: PubMed 16673358.